The following is an entry in ClinVar:

NM_004260.4(RECQL4):c.1936C>G (p.Arg646Gly)

Gene: RECQL4 (RecQ like helicase 4; minus strand). Cytogenetic location: 8q24.3.
Variant type: single nucleotide variant.
Coding change: c.1936C>G on transcript NM_004260.4 (MANE Select); coding-DNA position 1936, C replaced by G.
Protein change: p.Arg646Gly; replaces arginine 646 with glycine.
Molecular consequence: missense variant. On other transcripts: non-coding transcript variant (3).
Genome position (GRCh38, 1-based): chr8:144,514,050, G>C on the plus strand (C>G on the coding strand, the complement: RECQL4 is on the minus strand). VCF-style: chr8-144514050-G-C. GRCh37 (hg19) VCF-style: chr8-145739434-G-C.
Other names: c.1840C>G, p.Arg614Gly (NM_001413017.1, NM_001413020.1); c.1936C>G, p.Arg646Gly (NM_001413018.1, NM_001413019.1, NM_001413036.1); c.865C>G, p.Arg289Gly (NM_001413021.1, NM_001413022.1, NM_001413023.1 and 6 more transcripts); c.1807C>G, p.Arg603Gly (NM_001413025.1); c.799C>G, p.Arg267Gly (NM_001413027.1, NM_001413030.1, NM_001413032.1 and 1 more transcripts); c.1585C>G, p.Arg529Gly (NM_001413029.1); c.667C>G, p.Arg223Gly (NM_001413031.1); c.1804C>G, p.Arg602Gly (NM_001413033.1); and 4 more; short protein forms R602G, R603G, R223G, R267G, R614G, R636G, R245G, R529G.
Identifiers: ClinVar variation 3787936 (VCV003787936.1).

ClinVar aggregate classification (germline): Uncertain significance (1 of 4 stars; one submission).

Conditions:
Inborn genetic diseases. Identifiers: MedGen C0950123, MeSH D030342.

Submission:

Ambry Genetics
Classification: Uncertain significance for Inborn genetic diseases. Last evaluated: 2024-12-12. Review status: criteria provided, single submitter. Criteria: Ambry Variant Classification Scheme 2023. Collection method: clinical testing. Allele origin: germline.
Comment: The p.R646G variant (also known as c.1936C>G), located in coding exon 12 of the RECQL4 gene, results from a C to G substitution at nucleotide position 1936. The arginine at codon 646 is replaced by glycine, an amino acid with dissimilar properties. This amino acid position is conserved. In addition, the in silico prediction for this alteration is inconclusive. Based on the available evidence, the clinical significance of this variant remains unclear.